The following is an entry in ClinVar:

ClinVar aggregate classification (germline): Uncertain significance (1 of 4 stars; one submission).

Conditions:
Hereditary cancer-predisposing syndrome. Also called: Neoplastic Syndromes, Hereditary; Tumor predisposition; Hereditary Cancer Syndrome; Hereditary neoplastic syndrome. Identifiers: Orphanet 140162, MedGen C0027672, MeSH D009386, MONDO:0015356.

gnomAD v4.1: 1 of 1,614,118 alleles (0.000062%); no homozygotes.

Submission:

Ambry Genetics
Classification: Uncertain significance for Hereditary cancer-predisposing syndrome. Last evaluated: 2026-04-13. Review status: criteria provided, single submitter. Criteria: Ambry Variant Classification Scheme 2023. Collection method: clinical testing. Allele origin: germline.
Comment: The p.L1029V variant (also known as c.3085C>G), located in coding exon 15 of the APC gene, results from a C to G substitution at nucleotide position 3085. The leucine at codon 1029 is replaced by valine, an amino acid with highly similar properties. This amino acid position is conserved. In addition, in silico predictors for this gene do not accurately predict pathogenicity. Based on the available evidence, the clinical significance of this variant remains unclear.

NM_000038.6(APC):c.3085C>G (p.Leu1029Val)

Gene: APC (APC regulator of Wnt signaling pathway; plus strand). Cytogenetic location: 5q22.2.
Variant type: single nucleotide variant.
Coding change: c.3085C>G on transcript NM_000038.6 (MANE Select); coding-DNA position 3085, C replaced by G.
Protein change: p.Leu1029Val; replaces leucine 1029 with valine.
Molecular consequence: missense variant. On other transcripts: non-coding transcript variant (2).
Genome position (GRCh38, 1-based): chr5:112,838,679, C>G. VCF-style: chr5-112838679-C-G. GRCh37 (hg19) VCF-style: chr5-112174376-C-G.
Other names: c.3085C>G, p.Leu1029Val (NM_001127510.3, NM_001354895.2, NM_001407450.1); c.3031C>G, p.Leu1011Val (NM_001127511.3); c.3139C>G, p.Leu1047Val (NM_001354896.2, NM_001407447.1, NM_001407448.1 and 1 more transcripts); c.3115C>G, p.Leu1039Val (NM_001354897.2); c.3010C>G, p.Leu1004Val (NM_001354898.2); c.3001C>G, p.Leu1001Val (NM_001354899.2); c.2962C>G, p.Leu988Val (NM_001354900.2); c.2908C>G, p.Leu970Val (NM_001354901.2, NM_001407453.1); and 11 more; short protein forms L1001V, L1004V, L1011V, L1019V, L1022V, L1029V, L1039V, L1047V.
Identifiers: ClinVar variation 4861220 (VCV004861220.1).